The following is an entry in ClinVar:

NM_002615.7(SERPINF1):c.786G>C (p.Lys262Asn)

Gene: SERPINF1 (serpin family F member 1; plus strand). Cytogenetic location: 17p13.3.
Variant type: single nucleotide variant.
Coding change: c.786G>C on transcript NM_002615.7 (MANE Select); coding-DNA position 786, G replaced by C.
Protein change: p.Lys262Asn; replaces lysine 262 with asparagine.
Molecular consequence: missense variant.
Genome position (GRCh38, 1-based): chr17:1,775,200, G>C. VCF-style: chr17-1775200-G-C. GRCh37 (hg19) VCF-style: chr17-1678494-G-C.
Other names: c.786G>C, p.Lys262Asn (NM_001329903.2); c.225G>C, p.Lys75Asn (NM_001329904.2, NM_001329905.2); short protein forms K262N, K75N.
Identifiers: ClinVar variation 2627537 (VCV002627537.1), dbSNP rs2543490173, ClinGen allele CA397589424.

ClinVar aggregate classification (germline): Uncertain significance (1 of 4 stars; one submission).

Conditions:
Osteogenesis imperfecta type 6. Also called: Osteogenesis imperfecta, type VI. Identifiers: Orphanet 666, MedGen C3279564, MONDO:0013515, OMIM 613982.

Submission:

Neuberg Centre For Genomic Medicine, NCGM
Classification: Uncertain significance for Osteogenesis imperfecta type 6. Review status: criteria provided, single submitter. Criteria: ACMG Guidelines, 2015. Collection method: clinical testing. Allele origin: germline. Inheritance: Autosomal recessive inheritance. Affected: yes.
Comment: The missense variant p.K262N in SERPINF1 (NM_002615.7) has not been reported previously as a pathogenic variant nor as a benign variant, to our knowledge. The p.K262N variant is novel (not in any individuals) in gnomAD Exomes and is novel (not in any individuals) in 1000 Genomes. The p.K262N variant is predicted to disrupt splicing by all splice site algorithms. The p.K262N missense variant is predicted to be damaging by both SIFT and PolyPhen2. The lysine residue at codon 262 of SERPINF1 is conserved in all mammalian species. The nucleotide c.786 in SERPINF1 is predicted conserved by GERP++ and PhyloP across 100 vertebrates. For these reasons, this variant has been classified as Uncertain Significance.